The following is an entry in ClinVar:

ClinVar aggregate classification (germline): Uncertain significance. Review status: criteria provided, multiple submitters, no conflicts (2 of 4 stars). 2 submissions from 2 submitters: Uncertain significance (2). Last evaluated 2025-01-24.

Allele frequency attached by ClinVar (database versions not stated): gnomAD exomes 0.00002; ExAC 0.00003.
gnomAD v4.1: 6 of 1,614,142 alleles (0.00037%); highest among the groups gnomAD compares: Admixed American, 0.01%; no homozygotes.

Submissions (2):

Ambry Genetics
Classification: Uncertain significance. Last evaluated: 2025-01-24. Review status: criteria provided, single submitter. Criteria: Ambry Variant Classification Scheme 2023. Collection method: clinical testing. Allele origin: germline.

Labcorp Genetics (formerly Invitae), Labcorp
Classification: Uncertain significance. Last evaluated: 2022-08-19. Review status: criteria provided, single submitter. Criteria: Invitae Variant Classification Sherloc (09022015). Collection method: clinical testing. Allele origin: germline.
Comment: Algorithms developed to predict the effect of sequence changes on RNA splicing suggest that this variant may create or strengthen a splice site. In summary, the available evidence is currently insufficient to determine the role of this variant in disease. Therefore, it has been classified as a Variant of Uncertain Significance. Algorithms developed to predict the effect of missense changes on protein structure and function (SIFT, PolyPhen-2, Align-GVGD) all suggest that this variant is likely to be disruptive. ClinVar contains an entry for this variant (Variation ID: 1438950). This variant has not been reported in the literature in individuals affected with LOXL3-related conditions. This variant is present in population databases (rs748343116, gnomAD 0.01%). This sequence change replaces histidine, which is basic and polar, with arginine, which is basic and polar, at codon 550 of the LOXL3 protein (p.His550Arg).

NM_032603.5(LOXL3):c.1649A>G (p.His550Arg)

Gene: LOXL3 (lysyl oxidase like 3; minus strand). Cytogenetic location: 2p13.1.
Variant type: single nucleotide variant.
Coding change: c.1649A>G on transcript NM_032603.5 (MANE Select); coding-DNA position 1649, A replaced by G.
Protein change: p.His550Arg; replaces histidine 550 with arginine.
Molecular consequence: missense variant.
Genome position (GRCh38, 1-based): chr2:74,534,705, T>C on the plus strand (A>G on the coding strand, the complement: LOXL3 is on the minus strand). VCF-style: chr2-74534705-T-C. GRCh37 (hg19) VCF-style: chr2-74761832-T-C.
Other names: c.1214A>G, p.His405Arg (NM_001289164.3); c.566A>G, p.His189Arg (NM_001289165.2); c.1649A>G (NM_032603.2); short protein forms H405R, H550R, H189R.
Identifiers: ClinVar variation 1438950 (VCV001438950.5), dbSNP rs748343116, ClinGen allele CA1728824.